The following is an entry in ClinVar:

ClinVar aggregate classification (germline): Uncertain significance (1 of 4 stars; one submission).

Allele frequency attached by ClinVar (database versions not stated): gnomAD exomes below 0.00001.

Submission:

Labcorp Genetics (formerly Invitae), Labcorp
Classification: Uncertain significance. Last evaluated: 2021-12-13. Review status: criteria provided, single submitter. Criteria: Invitae Variant Classification Sherloc (09022015). Collection method: clinical testing. Allele origin: germline.
Comment: This sequence change replaces leucine, which is neutral and non-polar, with phenylalanine, which is neutral and non-polar, at codon 584 of the TOP3A protein (p.Leu584Phe). This variant is not present in population databases (gnomAD no frequency). In summary, the available evidence is currently insufficient to determine the role of this variant in disease. Therefore, it has been classified as a Variant of Uncertain Significance. Algorithms developed to predict the effect of missense changes on protein structure and function are either unavailable or do not agree on the potential impact of this missense change (SIFT: "Not Available"; PolyPhen-2: "Probably Damaging"; Align-GVGD: "Not Available"). This variant has not been reported in the literature in individuals affected with TOP3A-related conditions.

NM_004618.5(TOP3A):c.1750C>T (p.Leu584Phe)

Gene: TOP3A (DNA topoisomerase III alpha; minus strand). Cytogenetic location: 17p11.2.
Variant type: single nucleotide variant.
Coding change: c.1750C>T on transcript NM_004618.5 (MANE Select); coding-DNA position 1750, C replaced by T.
Protein change: p.Leu584Phe; replaces leucine 584 with phenylalanine.
Molecular consequence: missense variant.
Genome position (GRCh38, 1-based): chr17:18,285,269, G>A on the plus strand (C>T on the coding strand, the complement: TOP3A is on the minus strand). VCF-style: chr17-18285269-G-A. GRCh37 (hg19) VCF-style: chr17-18188583-G-A.
Other names: c.1465C>T, p.Leu489Phe (NM_001320759.2); short protein forms L489F, L584F.
Identifiers: ClinVar variation 1937720 (VCV001937720.5), dbSNP rs1980016452, ClinGen allele CA398628871.